The following is an entry in ClinVar:

ClinVar aggregate classification (germline): Uncertain significance. Review status: criteria provided, multiple submitters, no conflicts (2 of 4 stars). 2 submissions from 2 submitters: Uncertain significance (2). Last evaluated 2025-11-24.

Conditions:
Hereditary breast ovarian cancer syndrome. Also called: Hereditary breast and ovarian cancer; Breast and ovarian cancer; Hereditary breast and/or ovarian cancer syndrome; BRCA1- and BRCA2-Associated Hereditary Breast and Ovarian Cancer; Hereditary breast and ovarian cancer syndrome; Hereditary breast and ovarian cancer syndrome (HBOC). Identifiers: Orphanet 145, MedGen C0677776, MeSH D061325, MONDO:0003582. Disease mechanism: loss of function.

gnomAD v4.1: 2 of 1,614,076 alleles (0.00012%); highest among the groups gnomAD compares: Admixed American, 0.0017%; no homozygotes.

Submissions (2):

Labcorp Genetics (formerly Invitae), Labcorp
Classification: Uncertain significance for Hereditary breast ovarian cancer syndrome. Last evaluated: 2025-11-24. Review status: criteria provided, single submitter. Criteria: Invitae Variant Classification Sherloc (09022015). Collection method: clinical testing. Allele origin: germline.
Comment: This sequence change replaces threonine, which is neutral and polar, with serine, which is neutral and polar, at codon 2766 of the BRCA2 protein (p.Thr2766Ser). This variant is present in population databases (rs774027004, gnomAD 0.003%). This variant has not been reported in the literature in individuals affected with BRCA2-related conditions. ClinVar contains an entry for this variant (Variation ID: 1810128). Invitae Evidence Modeling of protein sequence and biophysical properties (such as structural, functional, and spatial information, amino acid conservation, physicochemical variation, residue mobility, and thermodynamic stability) indicates that this missense variant is not expected to disrupt BRCA2 protein function with a negative predictive value of 95%. In summary, the available evidence is currently insufficient to determine the role of this variant in disease. Therefore, it has been classified as a Variant of Uncertain Significance.

GeneDx
Classification: Uncertain significance. Last evaluated: 2022-12-28. Review status: criteria provided, single submitter. Criteria: GeneDx Variant Classification Process June 2021. Collection method: clinical testing. Allele origin: germline. Affected: yes.
Comment: Not observed at significant frequency in large population cohorts (gnomAD); In silico analysis supports that this missense variant does not alter protein structure/function; Has not been previously published as pathogenic or benign to our knowledge; Also known as 8524A>T; This variant is associated with the following publications: (PMID: 12228710)

NM_000059.4(BRCA2):c.8296A>T (p.Thr2766Ser)

Gene: BRCA2 (BRCA2 DNA repair associated; plus strand). Cytogenetic location: 13q13.1.
Variant type: single nucleotide variant.
Coding change: c.8296A>T on transcript NM_000059.4 (MANE Select); coding-DNA position 8296, A replaced by T.
Protein change: p.Thr2766Ser; replaces threonine 2766 with serine.
Molecular consequence: missense variant.
Genome position (GRCh38, 1-based): chr13:32,363,498, A>T. VCF-style: chr13-32363498-A-T. GRCh37 (hg19) VCF-style: chr13-32937635-A-T.
Other names: c.8200A>T, p.Thr2734Ser (NM_001406719.1); c.8296A>T, p.Thr2766Ser (NM_001406720.1); c.3364A>T, p.Thr1122Ser (NM_001406721.1); c.1879A>T, p.Thr627Ser (NM_001406722.1); short protein forms T1122S, T2734S, T2766S, T627S.
Identifiers: ClinVar variation 1810128 (VCV001810128.4), dbSNP rs774027004, ClinGen allele CA6941206.
Genomic context (GRCh38, chr13:32,363,498, plus strand): 5'-ACAGTTGGTCAGAAGATTATTCTTCATGGAGCAGAACTGGTGGGCTCTCCTGATGCCTGT[A>T]CACCTCTTGAAGCCCCAGAATCTCTTATGTTAAAGGTAAATTAATTTGCACTCTTGGTAA-3'
Protein context (NP_000050.3, residues 2756-2776): AELVGSPDAC[Thr2766Ser]PLEAPESLML